The following is an entry in ClinVar:

NM_006206.6(PDGFRA):c.2473C>G (p.Leu825Val)

Gene: PDGFRA (platelet derived growth factor receptor alpha; plus strand). Cytogenetic location: 4q12.
Variant type: single nucleotide variant.
Coding change: c.2473C>G on transcript NM_006206.6 (MANE Select); coding-DNA position 2473, C replaced by G.
Protein change: p.Leu825Val; replaces leucine 825 with valine.
Molecular consequence: missense variant.
Genome position (GRCh38, 1-based): chr4:54,285,874, C>G. VCF-style: chr4-54285874-C-G. GRCh37 (hg19) VCF-style: chr4-55152041-C-G.
Other names: c.2548C>G, p.Leu850Val (NM_001347828.2); c.2473C>G, p.Leu825Val (NM_001347829.2); c.2512C>G, p.Leu838Val (NM_001347830.2); short protein forms L838V, L825V, L850V.
Identifiers: ClinVar variation 3887343 (VCV003887343.1).

ClinVar aggregate classification (germline): Uncertain significance (1 of 4 stars; one submission).

Conditions:
Hereditary cancer-predisposing syndrome. Also called: Tumor predisposition; Neoplastic Syndromes, Hereditary; Hereditary Cancer Syndrome; Hereditary neoplastic syndrome. Identifiers: Orphanet 140162, MedGen C0027672, MeSH D009386, MONDO:0015356.

Submission:

Ambry Genetics
Classification: Uncertain significance for Hereditary cancer-predisposing syndrome. Last evaluated: 2025-01-10. Review status: criteria provided, single submitter. Criteria: Ambry Variant Classification Scheme 2023. Collection method: clinical testing. Allele origin: germline.
Comment: The p.L825V variant (also known as c.2473C>G), located in coding exon 17 of the PDGFRA gene, results from a C to G substitution at nucleotide position 2473. The leucine at codon 825 is replaced by valine, an amino acid with highly similar properties. This amino acid position is highly conserved in available vertebrate species. In addition, this alteration is predicted to be deleterious by in silico analysis. Based on the available evidence, the clinical significance of this variant remains unclear.